The following is an entry in ClinVar:

NM_017636.4(TRPM4):c.1994C>T (p.Ala665Val)

Gene: TRPM4 (transient receptor potential cation channel subfamily M member 4; plus strand). Cytogenetic location: 19q13.33.
Variant type: single nucleotide variant.
Coding change: c.1994C>T on transcript NM_017636.4 (MANE Select); coding-DNA position 1994, C replaced by T.
Protein change: p.Ala665Val; replaces alanine 665 with valine.
Molecular consequence: missense variant.
Genome position (GRCh38, 1-based): chr19:49,189,066, C>T. VCF-style: chr19-49189066-C-T. GRCh37 (hg19) VCF-style: chr19-49692323-C-T.
Other names: c.1994C>T, p.Ala665Val (NM_001195227.2); c.1649C>T, p.Ala550Val (NM_001321281.2); c.386C>T, p.Ala129Val (NM_001321282.2); c.1472C>T, p.Ala491Val (NM_001321283.2); c.932C>T, p.Ala311Val (NM_001321285.2); short protein forms A311V, A665V, A491V, A550V, A129V.
Identifiers: ClinVar variation 1784025 (VCV001784025.2), dbSNP rs1968311382, ClinGen allele CA406804152.

ClinVar aggregate classification (germline): Uncertain significance (1 of 4 stars; one submission).

Conditions:
Cardiovascular phenotype. Identifiers: MedGen CN230736.

Allele frequency attached by ClinVar (database versions not stated): gnomAD 0.00001.
gnomAD v4.1: 2 of 1,614,058 alleles (0.00012%); highest among the groups gnomAD compares: South Asian, 0.0022%; no homozygotes.

Submission:

Ambry Genetics
Classification: Uncertain significance for Cardiovascular phenotype. Last evaluated: 2020-04-28. Review status: criteria provided, single submitter. Criteria: Ambry Variant Classification Scheme 2023. Collection method: clinical testing. Allele origin: germline.
Comment: The p.A665V variant (also known as c.1994C>T), located in coding exon 14 of the TRPM4 gene, results from a C to T substitution at nucleotide position 1994. The alanine at codon 665 is replaced by valine, an amino acid with similar properties. This amino acid position is not well conserved in available vertebrate species. In addition, this alteration is predicted to be tolerated by in silico analysis. Since supporting evidence is limited at this time, the clinical significance of this alteration remains unclear.